The following is an entry in ClinVar:

ClinVar aggregate classification (germline): Pathogenic (1 of 4 stars; one submission).

Submission:

CeGaT Center for Human Genetics Tuebingen
Classification: Pathogenic. Last evaluated: 2025-09-01. Review status: criteria provided, single submitter. Criteria: CeGaT Center For Human Genetics Tuebingen Variant Classification Criteria Version 2. Collection method: clinical testing. Allele origin: germline. Affected: yes. Observed: 1 variant allele.
Comment: NPRL3: PVS1, PM2, PS1:Supporting

NM_001077350.3(NPRL3):c.547+1del

Genes: HBA-LCR (alpha-globin locus control region; plus strand), NPRL3 (NPR3 like, GATOR1 complex subunit; minus strand). Cytogenetic location: 16p13.3.
Variant type: Deletion.
Coding change: c.547+1del on transcript NM_001077350.3 (MANE Select); the canonical splice donor site of the intron after coding-DNA position 547, one base deleted (G; older notation c.547+1delG).
Molecular consequence: splice donor variant.
Genome position (GRCh38, 1-based): chr16:112,621, C deleted on the plus strand (G on the coding strand, the reverse complement: NPRL3 is on the minus strand); the first of 2 consecutive C bases (chr16:112,621-112,622); deleting either gives the same sequence. VCF-style (leftmost placement, unchanged base first): chr16-112620-AC-A. GRCh37 (hg19) VCF-style: chr16-162619-AC-A.
Other names: c.313+1del (NM_001243247.2); c.472+1del (NM_001243248.2, NM_001243249.2); c.10+1del (NM_001039476.3).
Identifiers: ClinVar variation 4281421 (VCV004281421.7).